The following is an entry in ClinVar:

ClinVar aggregate classification (germline): Uncertain significance. Review status: criteria provided, multiple submitters, no conflicts (2 of 4 stars). 2 submissions from 2 submitters: Uncertain significance (2). Last evaluated 2025-09-01.

Conditions:
Inborn genetic diseases. Identifiers: MedGen C0950123, MeSH D030342.

Allele frequency attached by ClinVar (database versions not stated): gnomAD 0.00001; TOPMed 0.00001; ExAC 0.00002; gnomAD exomes 0.00002.
gnomAD v4.1: 40 of 1,600,484 alleles (0.0025%); highest among the groups gnomAD compares: Non-Finnish European, 0.0031%; no homozygotes.

Submissions (2):

Ambry Genetics
Classification: Uncertain significance for Inborn genetic diseases. Last evaluated: 2025-09-01. Review status: criteria provided, single submitter. Criteria: Ambry Variant Classification Scheme 2023. Collection method: clinical testing. Allele origin: germline.

Labcorp Genetics (formerly Invitae), Labcorp
Classification: Uncertain significance. Last evaluated: 2022-10-25. Review status: criteria provided, single submitter. Criteria: Invitae Variant Classification Sherloc (09022015). Collection method: clinical testing. Allele origin: germline.
Comment: In summary, the available evidence is currently insufficient to determine the role of this variant in disease. Therefore, it has been classified as a Variant of Uncertain Significance. Advanced modeling of protein sequence and biophysical properties (such as structural, functional, and spatial information, amino acid conservation, physicochemical variation, residue mobility, and thermodynamic stability) performed at Invitae indicates that this missense variant is expected to disrupt FAR1 protein function. ClinVar contains an entry for this variant (Variation ID: 1406888). This variant has not been reported in the literature in individuals affected with FAR1-related conditions. This variant is present in population databases (rs764518716, gnomAD 0.007%). This sequence change replaces threonine, which is neutral and polar, with methionine, which is neutral and non-polar, at codon 193 of the FAR1 protein (p.Thr193Met).

NM_032228.6(FAR1):c.578C>T (p.Thr193Met)

Gene: FAR1 (fatty acyl-CoA reductase 1; plus strand). Cytogenetic location: 11p15.3.
Variant type: single nucleotide variant.
Coding change: c.578C>T on transcript NM_032228.6 (MANE Select); coding-DNA position 578, C replaced by T.
Protein change: p.Thr193Met; replaces threonine 193 with methionine.
Molecular consequence: missense variant.
Genome position (GRCh38, 1-based): chr11:13,710,725, C>T. VCF-style: chr11-13710725-C-T. GRCh37 (hg19) VCF-style: chr11-13732272-C-T.
Other names: c.578C>T (NM_032228.5); short protein forms T193M.
Identifiers: ClinVar variation 1406888 (VCV001406888.10), dbSNP rs764518716, ClinGen allele CA5893353.
Genomic context (GRCh38, chr11:13,710,725, plus strand): 5'-ATATATTTGTATGCAATTTCTTTACCAGGTGGATGGATGATGGCCTAGTAAATGATATCA[C>T]GCCAAAATTGATAGGAGACAGACCTAATACATACATATACACAAAAGCATTGGCAGAATA-3'
Protein context (NP_115604.1, residues 183-203): WMDDGLVNDI[Thr193Met]PKLIGDRPNT